The following is an entry in ClinVar:

NM_001709.5(BDNF):c.319_321del (p.Leu107del)

Genes: BDNF (brain derived neurotrophic factor; minus strand), BDNF-AS (BDNF antisense RNA; plus strand). Cytogenetic location: 11p14.1.
Variant type: Deletion.
Coding change: c.319_321del on transcript NM_001709.5 (MANE Select); coding-DNA positions 319 to 321, 3 bases deleted (CTC; older notation c.319_321delCTC).
Protein change: p.Leu107del; deletes leucine 107.
Molecular consequence: inframe deletion. On other transcripts: non-coding transcript variant (5).
Genome position (GRCh38, 1-based): chr11:27,658,244-27,658,246, GAG deleted on the plus strand (CTC on the coding strand, the reverse complement: BDNF is on the minus strand). VCF-style (leftmost placement, unchanged base first): chr11-27658243-AGAG-A. GRCh37 (hg19) VCF-style: chr11-27679790-AGAG-A.
Other names: c.319_321del, p.Leu107del (NM_001143805.1, NM_001143806.1, NM_001143807.2 and 9 more transcripts); c.406_408del, p.Leu136del (NM_001143809.2); c.565_567del, p.Leu189del (NM_001143810.2); c.343_345del, p.Leu115del (NM_170731.5); c.364_366del, p.Leu122del (NM_170734.4); short protein forms L107del, L136del, L189del, L115del, L122del.
Identifiers: ClinVar variation 4987178 (VCV004987178.1).

ClinVar aggregate classification (germline): Uncertain significance (1 of 4 stars; one submission).

Conditions:
BDNF-related disorder. Also called: BDNF-related condition.

Submission:

PreventionGenetics, part of Exact Sciences
Classification: Uncertain significance for BDNF-related condition. Last evaluated: 2026-08-15. Review status: criteria provided, single submitter. Criteria: ACMG Guidelines, 2015. Collection method: clinical testing. Allele origin: germline.
Comment: The BDNF c.565_567delCTC variant is predicted to result in an in-frame deletion (p.Leu189del). To our knowledge, this variant has not been reported in the literature or in a large population database (gnomAD), indicating this variant is rare. At this time, the clinical significance of this variant is uncertain due to the absence of conclusive functional and genetic evidence.